The following is an entry in ClinVar:

ClinVar aggregate classification (germline): Likely pathogenic (1 of 4 stars; one submission).

Conditions:
Hereditary antithrombin deficiency (AT3D). Also called: Reduced antithrombin III activity; Antithrombin deficiency; Antithrombin III deficiency; Thrombophilia due to antithrombin III deficiency. Identifiers: Orphanet 82, MedGen C0272375, MONDO:0013144, OMIM 613118, HP:0001976.

Allele frequency attached by ClinVar (database versions not stated): gnomAD 0.00001.

Submission:

Labcorp Genetics (formerly Invitae), Labcorp
Classification: Likely pathogenic for Hereditary antithrombin deficiency. Last evaluated: 2022-10-20. Review status: criteria provided, single submitter. Criteria: Invitae Variant Classification Sherloc (09022015). Collection method: clinical testing. Allele origin: germline.
Comment: Studies have shown that this variant alters SERPINC1 gene expression (PMID: 22234719). This variant occurs in a non-coding region of the SERPINC1 gene. It does not change the encoded amino acid sequence of the SERPINC1 protein. This variant is not present in population databases (gnomAD no frequency). This variant has been observed in individual(s) with antithrombin III deficiency (PMID: 22234719, 27003919). It has also been observed to segregate with disease in related individuals. This variant is also known as g.2143C>G or c.1-171C>G. In summary, the currently available evidence indicates that the variant is pathogenic, but additional data are needed to prove that conclusively. Therefore, this variant has been classified as Likely Pathogenic.

Literature cited by the submitters: PubMed 22234719; PubMed 27003919.

NC_000001.11:g.173917430G>C

Gene: SERPINC1 (serpin family C member 1; minus strand). Cytogenetic location: 1q25.1.
Variant type: single nucleotide variant.
Genome position: GRCh38 VCF-style: chr1-173917430-G-C. GRCh37 (hg19) VCF-style: chr1-173886568-G-C.
Identifiers: ClinVar variation 2734047 (VCV002734047.3), dbSNP rs1658038847, ClinGen allele CA1009280670.
Genomic context (GRCh38, chr1:173,917,430, plus strand): 5'-TGGGGCAGAGAGCTGGTCAGGAGGGGGAACTGAGGTCAAAGGCTGATGACCAGTTCCCAG[G>C]GTTAAGCAAAGTGTAGAGCCCAGTGTTGTTTAATTAGTAGAGAAGTTTTAAAGTTCAATC-3'